The following is an entry in ClinVar:

ClinVar aggregate classification (germline): Uncertain significance. Review status: criteria provided, multiple submitters, no conflicts (2 of 4 stars). 4 submissions from 4 submitters: Uncertain significance (4). Last evaluated 2024-07-18.

Conditions:
Cenani-Lenz syndactyly syndrome. Also called: SYNDACTYLY, TYPE VII; CENANI SYNDACTYLISM. Identifiers: Orphanet 3258, MedGen C1859309, MONDO:0008931, OMIM 212780.
Sclerosteosis 2 (SOST2). Identifiers: Orphanet 3152, MedGen C3280402, MONDO:0013679, OMIM 614305.
Congenital myasthenic syndrome 17. Identifiers: Orphanet 590, MedGen C4225377, MONDO:0014578, OMIM 616304.
Inborn genetic diseases. Identifiers: MedGen C0950123, MeSH D030342.

Allele frequency attached by ClinVar (database versions not stated): 1000 Genomes Project 0.00020; gnomAD exomes 0.00003 and 0.00011; ExAC 0.00013; gnomAD 0.00035 and 0.00041; ESP Exome Variant Server 0.00054; TOPMed 0.00043; 1000 Genomes Project 30x 0.00016.
gnomAD v4.1: 107 of 1,614,198 alleles (0.0066%); highest among the groups gnomAD compares: African/African-American, 0.11%; no homozygotes.

Submissions (4):

Revvity Omics, Revvity
Classification: Uncertain significance. Last evaluated: 2024-07-18. Review status: criteria provided, single submitter. Criteria: ACMG Guidelines, 2015. Collection method: clinical testing. Allele origin: germline.

Fulgent Genetics
Classification: Uncertain significance for Cenani-Lenz syndactyly syndrome; Sclerosteosis 2; Congenital myasthenic syndrome 17. Last evaluated: 2024-04-27. Review status: criteria provided, single submitter. Criteria: ACMG Guidelines, 2015. Collection method: clinical testing. Allele origin: germline.

Labcorp Genetics (formerly Invitae), Labcorp
Classification: Uncertain significance for Cenani-Lenz syndactyly syndrome; Sclerosteosis 2; Congenital myasthenic syndrome 17. Last evaluated: 2022-10-04. Review status: criteria provided, single submitter. Criteria: Invitae Variant Classification Sherloc (09022015). Collection method: clinical testing. Allele origin: germline.
Comment: This sequence change replaces serine, which is neutral and polar, with asparagine, which is neutral and polar, at codon 1853 of the LRP4 protein (p.Ser1853Asn). This variant is present in population databases (rs139535571, gnomAD 0.1%). This variant has not been reported in the literature in individuals affected with LRP4-related conditions. ClinVar contains an entry for this variant (Variation ID: 943607). Advanced modeling of protein sequence and biophysical properties (such as structural, functional, and spatial information, amino acid conservation, physicochemical variation, residue mobility, and thermodynamic stability) performed at Invitae indicates that this missense variant is not expected to disrupt LRP4 protein function. In summary, the available evidence is currently insufficient to determine the role of this variant in disease. Therefore, it has been classified as a Variant of Uncertain Significance.

Ambry Genetics
Classification: Uncertain significance for Inborn genetic diseases. Last evaluated: 2021-08-12. Review status: criteria provided, single submitter. Criteria: Ambry Variant Classification Scheme 2023. Collection method: clinical testing. Allele origin: germline.

NM_002334.4(LRP4):c.5558G>A (p.Ser1853Asn)

Genes: LRP4 (LDL receptor related protein 4; minus strand), LRP4-AS1 (LRP4 antisense RNA 1; plus strand). Cytogenetic location: 11p11.2.
Variant type: single nucleotide variant.
Coding change: c.5558G>A on transcript NM_002334.4 (MANE Select); coding-DNA position 5558, G replaced by A.
Protein change: p.Ser1853Asn; replaces serine 1853 with asparagine.
Molecular consequence: missense variant.
Genome position (GRCh38, 1-based): chr11:46,859,143, C>T on the plus strand (G>A on the coding strand, the complement: LRP4 is on the minus strand). VCF-style: chr11-46859143-C-T. GRCh37 (hg19) VCF-style: chr11-46880694-C-T.
Other names: short protein forms S1853N.
Identifiers: ClinVar variation 943607 (VCV000943607.10), dbSNP rs139535571, ClinGen allele CA5968986.